The following is an entry in ClinVar:

ClinVar aggregate classification (germline): Uncertain significance (1 of 4 stars; one submission).

Conditions:
Fanconi anemia complementation group J. Also called: BRIP1-Related Fanconi Anemia. Identifiers: Orphanet 84, MedGen C1836860, MONDO:0012187, OMIM 609054.
Familial cancer of breast. Also called: BREAST CANCER, FAMILIAL; Hereditary breast cancer; hereditary breast carcinoma. Identifiers: Orphanet 227535, MedGen C0346153, MONDO:0016419, OMIM 114480. Disease mechanism: loss of function.

gnomAD v4.1: 1 of 1,611,358 alleles (0.000062%); highest among the groups gnomAD compares: Non-Finnish European, 0.000085%; no homozygotes.

Submission:

Labcorp Genetics (formerly Invitae), Labcorp
Classification: Uncertain significance for Familial cancer of breast; Fanconi anemia complementation group J. Last evaluated: 2024-05-18. Review status: criteria provided, single submitter. Criteria: Invitae Variant Classification Sherloc (09022015). Collection method: clinical testing. Allele origin: germline.
Comment: This sequence change replaces leucine, which is neutral and non-polar, with valine, which is neutral and non-polar, at codon 445 of the BRIP1 protein (p.Leu445Val). This variant is not present in population databases (gnomAD no frequency). This variant has not been reported in the literature in individuals affected with BRIP1-related conditions. Advanced modeling of protein sequence and biophysical properties (such as structural, functional, and spatial information, amino acid conservation, physicochemical variation, residue mobility, and thermodynamic stability) performed at Invitae indicates that this missense variant is not expected to disrupt BRIP1 protein function with a negative predictive value of 80%. In summary, the available evidence is currently insufficient to determine the role of this variant in disease. Therefore, it has been classified as a Variant of Uncertain Significance.

NM_032043.3(BRIP1):c.1333C>G (p.Leu445Val)

Gene: BRIP1 (BRCA1 interacting DNA helicase 1; minus strand). Cytogenetic location: 17q23.2.
Variant type: single nucleotide variant.
Coding change: c.1333C>G on transcript NM_032043.3 (MANE Select); coding-DNA position 1333, C replaced by G.
Protein change: p.Leu445Val; replaces leucine 445 with valine.
Molecular consequence: missense variant.
Genome position (GRCh38, 1-based): chr17:61,799,107, G>C on the plus strand (C>G on the coding strand, the complement: BRIP1 is on the minus strand). VCF-style: chr17-61799107-G-C. GRCh37 (hg19) VCF-style: chr17-59876468-G-C.
Other names: short protein forms L445V.
Identifiers: ClinVar variation 3756402 (VCV003756402.2).
Genomic context (GRCh38, chr17:61,799,107, plus strand): 5'-CATATTTTTCATATAAAGGCAGCACAAATACACTAATAGACAAATCTTCTTACTTAATGA[G>C]GCTACAGCACACAGCTCGTAGGGGTTCATGATCTTTCTTCCTTATATTATTGTTGACCAT-3'
Protein context (NP_114432.2, residues 435-455): HEPLRAVCCS[Leu445Val]INWLEANAEY